The following is an entry in ClinVar:

NM_020338.4(ZMIZ1):c.2687A>G (p.His896Arg)

Gene: ZMIZ1 (zinc finger MIZ-type containing 1; plus strand). Cytogenetic location: 10q22.3.
Variant type: single nucleotide variant.
Coding change: c.2687A>G on transcript NM_020338.4 (MANE Select); coding-DNA position 2687, A replaced by G.
Protein change: p.His896Arg; replaces histidine 896 with arginine.
Molecular consequence: missense variant.
Genome position (GRCh38, 1-based): chr10:79,307,423, A>G. VCF-style: chr10-79307423-A-G. GRCh37 (hg19) VCF-style: chr10-81067180-A-G.
Other names: short protein forms H896R.
Identifiers: ClinVar variation 1176547 (VCV001176547.37), dbSNP rs200251535, ClinGen allele CA5573093.

ClinVar aggregate classification (germline): Uncertain significance. Review status: criteria provided, multiple submitters, no conflicts (2 of 4 stars). 2 submissions from 2 submitters: Uncertain significance (2). Last evaluated 2024-03-03.

Allele frequency attached by ClinVar (database versions not stated): gnomAD 0.00002; TOPMed 0.00005.
gnomAD v4.1: 35 of 1,591,954 alleles (0.0022%); highest among the groups gnomAD compares: Admixed American, 0.017%; no homozygotes.

Submissions (2):

Labcorp Genetics (formerly Invitae), Labcorp
Classification: Uncertain significance. Last evaluated: 2024-03-03. Review status: criteria provided, single submitter. Criteria: Invitae Variant Classification Sherloc (09022015). Collection method: clinical testing. Allele origin: germline.
Comment: This sequence change replaces histidine, which is basic and polar, with arginine, which is basic and polar, at codon 896 of the ZMIZ1 protein (p.His896Arg). This variant is present in population databases (rs200251535, gnomAD 0.02%). This variant has not been reported in the literature in individuals affected with ZMIZ1-related conditions. ClinVar contains an entry for this variant (Variation ID: 1176547). Advanced modeling of protein sequence and biophysical properties (such as structural, functional, and spatial information, amino acid conservation, physicochemical variation, residue mobility, and thermodynamic stability) performed at Invitae indicates that this missense variant is not expected to disrupt ZMIZ1 protein function with a negative predictive value of 80%. In summary, the available evidence is currently insufficient to determine the role of this variant in disease. Therefore, it has been classified as a Variant of Uncertain Significance.

CeGaT Center for Human Genetics Tuebingen
Classification: Uncertain significance. Last evaluated: 2021-06-01. Review status: criteria provided, single submitter. Criteria: CeGaT Center For Human Genetics Tuebingen Variant Classification Criteria Version 2. Collection method: clinical testing. Allele origin: germline. Affected: yes. Observed: 1 variant allele.